The following is an entry in ClinVar:

NM_018109.4(MTPAP):c.1034C>G (p.Ala345Gly)

Gene: MTPAP (mitochondrial poly(A) polymerase; minus strand). Cytogenetic location: 10p11.23.
Variant type: single nucleotide variant.
Coding change: c.1034C>G on transcript NM_018109.4 (MANE Select); coding-DNA position 1034, C replaced by G.
Protein change: p.Ala345Gly; replaces alanine 345 with glycine.
Molecular consequence: missense variant.
Genome position (GRCh38, 1-based): chr10:30,322,576, G>C on the plus strand (C>G on the coding strand, the complement: MTPAP is on the minus strand). VCF-style: chr10-30322576-G-C. GRCh37 (hg19) VCF-style: chr10-30611505-G-C.
Other names: short protein forms A345G.
Identifiers: ClinVar variation 1906646 (VCV001906646.2), dbSNP rs761146082, ClinGen allele CA5459042.

ClinVar aggregate classification (germline): Uncertain significance (1 of 4 stars; one submission).

Allele frequency attached by ClinVar (database versions not stated): gnomAD 0.00001; gnomAD exomes 0.00001; ExAC 0.00002; TOPMed 0.00002.
gnomAD v4.1: 26 of 1,613,738 alleles (0.0016%); highest among the groups gnomAD compares: Middle Eastern, 0.016%; no homozygotes.

Submission:

Labcorp Genetics (formerly Invitae), Labcorp
Classification: Uncertain significance. Last evaluated: 2022-07-14. Review status: criteria provided, single submitter. Criteria: Invitae Variant Classification Sherloc (09022015). Collection method: clinical testing. Allele origin: germline.
Comment: This sequence change replaces alanine, which is neutral and non-polar, with glycine, which is neutral and non-polar, at codon 345 of the MTPAP protein (p.Ala345Gly). This variant is present in population databases (rs761146082, gnomAD 0.004%). This variant has not been reported in the literature in individuals affected with MTPAP-related conditions. Algorithms developed to predict the effect of missense changes on protein structure and function (SIFT, PolyPhen-2, Align-GVGD) all suggest that this variant is likely to be tolerated. In summary, the available evidence is currently insufficient to determine the role of this variant in disease. Therefore, it has been classified as a Variant of Uncertain Significance.